The following is an entry in ClinVar:

ClinVar aggregate classification (germline): Uncertain significance (1 of 4 stars; one submission).

Conditions:
Developmental and epileptic encephalopathy, 23 (DEE23). Also called: Epileptic encephalopathy, early infantile, 23. Identifiers: Orphanet 411986, MedGen C4014492, MONDO:0014371, OMIM 615859.

Submission:

Labcorp Genetics (formerly Invitae), Labcorp
Classification: Uncertain significance for Developmental and epileptic encephalopathy, 23. Last evaluated: 2021-11-09. Review status: criteria provided, single submitter. Criteria: Invitae Variant Classification Sherloc (09022015). Collection method: clinical testing. Allele origin: germline.
Comment: This sequence change replaces glutamic acid, which is acidic and polar, with alanine, which is neutral and non-polar, at codon 81 of the DOCK7 protein (p.Glu81Ala). This variant is not present in population databases (gnomAD no frequency). This variant has not been reported in the literature in individuals affected with DOCK7-related conditions. Algorithms developed to predict the effect of missense changes on protein structure and function are either unavailable or do not agree on the potential impact of this missense change (SIFT: "Tolerated"; PolyPhen-2: "Probably Damaging"; Align-GVGD: "Class C0"). In summary, the available evidence is currently insufficient to determine the role of this variant in disease. Therefore, it has been classified as a Variant of Uncertain Significance.

NM_001367561.1(DOCK7):c.242A>C (p.Glu81Ala)

Gene: DOCK7 (dedicator of cytokinesis 7; minus strand). Cytogenetic location: 1p31.3.
Variant type: single nucleotide variant.
Coding change: c.242A>C on transcript NM_001367561.1 (MANE Select); coding-DNA position 242, A replaced by C.
Protein change: p.Glu81Ala; replaces glutamic acid 81 with alanine.
Molecular consequence: missense variant.
Genome position (GRCh38, 1-based): chr1:62,654,062, T>G on the plus strand (A>C on the coding strand, the complement: DOCK7 is on the minus strand). VCF-style: chr1-62654062-T-G. GRCh37 (hg19) VCF-style: chr1-63119733-T-G.
Other names: c.242A>C, p.Glu81Ala (NM_001271999.2, NM_001272000.2, NM_001272001.2 and 3 more transcripts); short protein forms E81A.
Identifiers: ClinVar variation 1424543 (VCV001424543.6), dbSNP rs2149694502, ClinGen allele CA340704280.